The following is an entry in ClinVar:

NM_000439.5(PCSK1):c.1387G>A (p.Glu463Lys)

Genes: CAST (calpastatin; plus strand), PCSK1 (proprotein convertase subtilisin/kexin type 1; minus strand), LOC101929710 (uncharacterized LOC101929710; plus strand). Cytogenetic location: 5q15.
Variant type: single nucleotide variant.
Coding change: c.1387G>A on transcript NM_000439.5 (MANE Select); coding-DNA position 1387, G replaced by A.
Protein change: p.Glu463Lys; replaces glutamic acid 463 with lysine.
Molecular consequence: missense variant.
Genome position (GRCh38, 1-based): chr5:96,399,996, C>T on the plus strand (G>A on the coding strand, the complement: PCSK1 is on the minus strand). VCF-style: chr5-96399996-C-T. GRCh37 (hg19) VCF-style: chr5-95735700-C-T.
Other names: c.1246G>A, p.Glu416Lys (NM_001177875.2); short protein forms E463K, E416K.
Identifiers: ClinVar variation 431898 (VCV000431898.10), dbSNP rs143174906, ClinGen allele CA3350233.

ClinVar aggregate classification (germline): Conflicting classifications of pathogenicity. Review status: criteria provided, conflicting classifications (1 of 4 stars). 4 submissions from 4 submitters: Uncertain significance (3); Likely benign (1). Last evaluated 2026-01-19.

Conditions:
Body mass index quantitative trait locus 12 (BMIQ12). Also called: OBESITY (BMIQ12), SUSCEPTIBILITY TO; Obesity, susceptibility to, BMIQ12. Identifiers: MedGen C2676498, OMIM 612362.
Obesity due to prohormone convertase I deficiency. Also called: OBESITY AND ENDOCRINOPATHY DUE TO IMPAIRED PROCESSING OF PROHORMONES. Identifiers: Orphanet 71528, MedGen C1833053, MONDO:0010961, OMIM 600955.

Allele frequency attached by ClinVar (database versions not stated): gnomAD exomes 0.00007 and 0.00019; ExAC 0.00023; ESP Exome Variant Server 0.00069; gnomAD 0.00074 and 0.00085; TOPMed 0.00099; 1000 Genomes Project 30x 0.00125; 1000 Genomes Project 0.00140.
gnomAD v4.1: 228 of 1,614,206 alleles (0.014%); highest among the groups gnomAD compares: African/African-American, 0.22%; 1 homozygote.

Submissions (4):

Labcorp Genetics (formerly Invitae), Labcorp
Classification: Likely benign. Last evaluated: 2026-01-19. Review status: criteria provided, single submitter. Criteria: Invitae Variant Classification Sherloc (09022015). Collection method: clinical testing. Allele origin: germline.

GeneDx
Classification: Uncertain significance. Last evaluated: 2025-10-22. Review status: criteria provided, single submitter. Criteria: GeneDx Variant Classification Process June 2021. Collection method: clinical testing. Allele origin: germline. Affected: yes.
Comment: In silico analysis supports that this missense variant has a deleterious effect on protein structure/function; Has not been previously published as pathogenic or benign to our knowledge

New York Genome Center
Classification: Uncertain significance for Obesity due to prohormone convertase I deficiency; Body mass index quantitative trait locus 12. Last evaluated: 2023-01-03. Review status: criteria provided, single submitter. Criteria: NYGC Assertion Criteria 2020. Collection method: clinical testing. Allele origin: germline. Observed: 1 heterozygote.

Fulgent Genetics
Classification: Uncertain significance for Obesity due to prohormone convertase I deficiency; Body mass index quantitative trait locus 12. Last evaluated: 2021-07-22. Review status: criteria provided, single submitter. Criteria: ACMG Guidelines, 2015. Collection method: clinical testing. Allele origin: unknown.